The following is an entry in ClinVar:

NM_000260.4(MYO7A):c.203dup (p.Asp69fs)

Gene: MYO7A (myosin VIIA; plus strand). Cytogenetic location: 11q13.5.
Variant type: Duplication.
Coding change: c.203dup on transcript NM_000260.4 (MANE Select); coding-DNA position 203, one base duplicated (A; older notation c.203dupA).
Protein change: p.Asp69fs; shifts the reading frame from aspartic acid 69.
Molecular consequence: frameshift variant.
Genome position (GRCh38, 1-based): chr11:77,147,868, A duplicated. VCF-style (leftmost placement, unchanged base first): chr11-77147867-G-GA. GRCh37 (hg19) VCF-style: chr11-76858913-G-GA.
Other names: c.203dup, p.Asp69fs (NM_001127180.2); c.170dup, p.Asp58fs (NM_001369365.1); short protein forms D58fs, D69fs.
Identifiers: ClinVar variation 5012082 (VCV005012082.1).

ClinVar aggregate classification (germline): Pathogenic (1 of 4 stars; one submission).

Conditions:
Usher syndrome type 1 (USH1). Also called: RETINITIS PIGMENTOSA AND CONGENITAL DEAFNESS. Identifiers: Orphanet 231169, Orphanet 886, MedGen C1568247, MONDO:0010168, OMIM 276900.

Submission:

Myriad Genetics, Inc.
Classification: Pathogenic for Usher syndrome type 1. Last evaluated: 2023-09-27. Review status: criteria provided, single submitter. Criteria: Myriad Autosomal Dominant, Autosomal Recessive and X-Linked Classification Criteria (2023). Collection method: clinical testing. Allele origin: unknown.
Comment: NM_000260.3(MYO7A):c.203dupA(D69Gfs*71) is expected to be pathogenic in the context of MYO7A-related disorders. This variant is predicted to lead to an abnormal or absent protein product due to the creation of a premature termination codon in MYO7A, a gene where loss-of-function variants are known to be pathogenic. Please note: this variant was assessed in the context of healthy population screening.